The following is an entry in ClinVar:

NM_005120.3(MED12):c.2484T>C (p.Asp828=)

Gene: MED12 (mediator complex subunit 12; plus strand). Cytogenetic location: Xq13.1.
Variant type: single nucleotide variant.
Coding change: c.2484T>C on transcript NM_005120.3 (MANE Select); coding-DNA position 2484, T replaced by C.
Protein change: p.Asp828=; no amino-acid change (aspartic acid 828 retained).
Molecular consequence: synonymous variant.
Genome position (GRCh38, 1-based): chrX:71,126,097, T>C. VCF-style: chrX-71126097-T-C. GRCh37 (hg19) VCF-style: chrX-70345947-T-C.
Other names: c.2484T>C (NM_005120.2).
Identifiers: ClinVar variation 1167547 (VCV001167547.19), dbSNP rs781733323, ClinGen allele CA10444369.
Genomic context (GRCh38, chrX:71,126,097, plus strand): 5'-TGGGGAGGATGGGCAGAAGCGGCGACGCAACCGGCCTGAAGCCTTCCCCACTGCTGAAGA[T>C]ATCTTTGCTAAGTTCCAGCACCTTTCACATTATGACCAACACCAGGTCACGGCTCAGGTG-3'
Protein context (NP_005111.2, residues 818-838): NRPEAFPTAE[Asp828=]IFAKFQHLSH

ClinVar aggregate classification (germline): Benign/Likely benign. Review status: criteria provided, multiple submitters, no conflicts (2 of 4 stars). 4 submissions from 4 submitters: Benign (1); Likely benign (3). Last evaluated 2026-09-01.

Conditions:
Familial thoracic aortic aneurysm and aortic dissection (TAAD). Also called: Thoracic aortic aneurysms and dissections. Identifiers: Orphanet 91387, MedGen C4707243, MONDO:0019625.
FG syndrome (FGS). Identifiers: MedGen C0220769, MONDO:0002010.

Allele frequency attached by ClinVar (database versions not stated): TOPMed below 0.00001; gnomAD 0.00003; gnomAD exomes 0.00003 and 0.00004; ExAC 0.00008.
gnomAD v4.1: 32 of 1,209,770 alleles (0.0026%); highest among the groups gnomAD compares: Non-Finnish European, 0.002%; no homozygotes.

Submissions (4):

CeGaT Center for Human Genetics Tuebingen
Classification: Likely benign. Last evaluated: 2026-09-01. Review status: criteria provided, single submitter. Criteria: CeGaT Center For Human Genetics Tuebingen Variant Classification Criteria Version 2. Collection method: clinical testing. Allele origin: germline. Affected: yes. Observed: 2 variant alleles.
Comment: MED12: BP4, BP7, BS2

Labcorp Genetics (formerly Invitae), Labcorp
Classification: Benign for FG syndrome. Last evaluated: 2025-09-22. Review status: criteria provided, single submitter. Criteria: Invitae Variant Classification Sherloc (09022015). Collection method: clinical testing. Allele origin: germline.

Ambry Genetics
Classification: Likely benign for Familial thoracic aortic aneurysm and aortic dissection. Last evaluated: 2025-02-10. Review status: criteria provided, single submitter. Criteria: Ambry Variant Classification Scheme 2023. Collection method: clinical testing. Allele origin: germline.

Blueprint Genetics
Classification: Likely benign. Last evaluated: 2024-09-18. Review status: criteria provided, single submitter. Criteria: ACMG Guidelines, 2015. Collection method: clinical testing. Allele origin: germline.